The following is an entry in ClinVar:

NM_001145358.2(SIN3A):c.507C>G (p.Ser169=)

Gene: SIN3A (SIN3 transcription regulator family member A; minus strand). Cytogenetic location: 15q24.2.
Variant type: single nucleotide variant.
Coding change: c.507C>G on transcript NM_001145358.2 (MANE Select); coding-DNA position 507, C replaced by G.
Protein change: p.Ser169=; no amino-acid change (serine 169 retained).
Molecular consequence: synonymous variant.
Genome position (GRCh38, 1-based): chr15:75,413,012, G>C on the plus strand (C>G on the coding strand, the complement: SIN3A is on the minus strand). VCF-style: chr15-75413012-G-C. GRCh37 (hg19) VCF-style: chr15-75705353-G-C.
Other names: c.507C>G, p.Ser169= (NM_001145357.2, NM_015477.3).
Identifiers: ClinVar variation 3052416 (VCV003052416.2), dbSNP rs149078556, ClinGen allele CA7667870.

ClinVar aggregate classification (germline): Likely benign (0 of 4 stars; one submission).

Conditions:
SIN3A-related disorder. Also called: SIN3A-related condition.

Allele frequency attached by ClinVar (database versions not stated): TOPMed below 0.00001; gnomAD exomes 0.00001; ExAC 0.00005; ESP Exome Variant Server 0.00008.
gnomAD v4.1: 17 of 1,613,518 alleles (0.0011%); highest among the groups gnomAD compares: Non-Finnish European, 0.0014%; no homozygotes.

Submission:

PreventionGenetics, part of Exact Sciences
Classification: Likely benign for SIN3A-related condition. Last evaluated: 2019-08-28. Review status: no assertion criteria provided. Collection method: clinical testing. Allele origin: germline.
Comment: This variant is classified as likely benign based on ACMG/AMP sequence variant interpretation guidelines (Richards et al. 2015 PMID: 25741868, with internal and published modifications).